The following is an entry in ClinVar:

NM_001376.5(DYNC1H1):c.1358A>G (p.Asn453Ser)

Gene: DYNC1H1 (dynein cytoplasmic 1 heavy chain 1; plus strand). Cytogenetic location: 14q32.31.
Variant type: single nucleotide variant.
Coding change: c.1358A>G on transcript NM_001376.5 (MANE Select); coding-DNA position 1358, A replaced by G.
Protein change: p.Asn453Ser; replaces asparagine 453 with serine.
Molecular consequence: missense variant.
Genome position (GRCh38, 1-based): chr14:101,983,506, A>G. VCF-style: chr14-101983506-A-G. GRCh37 (hg19) VCF-style: chr14-102449843-A-G.
Other names: short protein forms N453S.
Identifiers: ClinVar variation 1718410 (VCV001718410.5), dbSNP rs1421871108, ClinGen allele CA391015521.

ClinVar aggregate classification (germline): Uncertain significance (1 of 4 stars; one submission).

Conditions:
Charcot-Marie-Tooth disease axonal type 2O. Also called: CHARCOT-MARIE-TOOTH NEUROPATHY, AXONAL, TYPE 2O; CHARCOT-MARIE-TOOTH DISEASE, AXONAL, AUTOSOMAL DOMINANT, TYPE 2O; Charcot-Marie-Tooth Neuropathy Type 2O; Charcot-Marie-Tooth disease, axonal, type 20. Identifiers: Orphanet 284232, MedGen C3280220, MONDO:0013644, OMIM 614228.

Allele frequency attached by ClinVar (database versions not stated): TOPMed below 0.00001; gnomAD 0.00001.
gnomAD v4.1: 1 of 1,614,082 alleles (0.000062%); highest among the groups gnomAD compares: African/African-American, 0.0013%; no homozygotes.

Submission:

Labcorp Genetics (formerly Invitae), Labcorp
Classification: Uncertain significance for Charcot-Marie-Tooth disease axonal type 2O. Last evaluated: 2022-08-31. Review status: criteria provided, single submitter. Criteria: Invitae Variant Classification Sherloc (09022015). Collection method: clinical testing. Allele origin: germline.
Comment: In summary, the available evidence is currently insufficient to determine the role of this variant in disease. Therefore, it has been classified as a Variant of Uncertain Significance. Advanced modeling of protein sequence and biophysical properties (such as structural, functional, and spatial information, amino acid conservation, physicochemical variation, residue mobility, and thermodynamic stability) performed at Invitae indicates that this missense variant is not expected to disrupt DYNC1H1 protein function. This variant has not been reported in the literature in individuals affected with DYNC1H1-related conditions. This variant is not present in population databases (gnomAD no frequency). This sequence change replaces asparagine, which is neutral and polar, with serine, which is neutral and polar, at codon 453 of the DYNC1H1 protein (p.Asn453Ser).